The following is an entry in ClinVar:

NM_016292.3(TRAP1):c.1504G>A (p.Ala502Thr)

Genes: DNASE1 (deoxyribonuclease 1; plus strand), TRAP1 (TNF receptor associated protein 1; minus strand). Cytogenetic location: 16p13.3.
Variant type: single nucleotide variant.
Coding change: c.1504G>A on transcript NM_016292.3 (MANE Select); coding-DNA position 1504, G replaced by A.
Protein change: p.Ala502Thr; replaces alanine 502 with threonine.
Molecular consequence: missense variant. On other transcripts: 3 prime UTR variant (1).
Genome position (GRCh38, 1-based): chr16:3,664,339, C>T on the plus strand (G>A on the coding strand, the complement: TRAP1 is on the minus strand). VCF-style: chr16-3664339-C-T. GRCh37 (hg19) VCF-style: chr16-3714340-C-T.
Other names: c.1345G>A, p.Ala449Thr (NM_001272049.2); c.*1715C>T (NM_001387140.1); short protein forms A502T, A449T.
Identifiers: ClinVar variation 2046458 (VCV002046458.3), dbSNP rs756033227, ClinGen allele CA7868057.
Genomic context (GRCh38, chr16:3,664,339, plus strand): 5'-TGTCTTTCTTCTTCATGGCCTCATAGTAGGGTGAGTGCTCTGCCAGGTGACGGTTGGGGG[C>T]GCACAGGTAGTAGATGTTGCGGGTGCCGGCCCGCATGCGGCTGGCGTATTCTGAGAGGCT-3'
Protein context (NP_057376.2, residues 492-512): AGTRNIYYLC[Ala502Thr]PNRHLAEHSP

ClinVar aggregate classification (germline): Uncertain significance (1 of 4 stars; one submission).

Allele frequency attached by ClinVar (database versions not stated): ExAC 0.00004; gnomAD 0.00004.
gnomAD v4.1: 78 of 1,612,678 alleles (0.0048%); highest among the groups gnomAD compares: Middle Eastern, 0.016%; no homozygotes.

Submission:

Labcorp Genetics (formerly Invitae), Labcorp
Classification: Uncertain significance. Last evaluated: 2022-11-16. Review status: criteria provided, single submitter. Criteria: Invitae Variant Classification Sherloc (09022015). Collection method: clinical testing. Allele origin: germline.
Comment: In summary, the available evidence is currently insufficient to determine the role of this variant in disease. Therefore, it has been classified as a Variant of Uncertain Significance. Advanced modeling of protein sequence and biophysical properties (such as structural, functional, and spatial information, amino acid conservation, physicochemical variation, residue mobility, and thermodynamic stability) performed at Invitae indicates that this missense variant is not expected to disrupt TRAP1 protein function. This variant has not been reported in the literature in individuals affected with TRAP1-related conditions. This variant is present in population databases (rs756033227, gnomAD 0.007%). This sequence change replaces alanine, which is neutral and non-polar, with threonine, which is neutral and polar, at codon 502 of the TRAP1 protein (p.Ala502Thr).